The following is an entry in ClinVar:

ClinVar aggregate classification (germline): Uncertain significance (1 of 4 stars; one submission).

Conditions:
Lethal multiple pterygium syndrome (LMPS). Identifiers: Orphanet 33108, MedGen C1854678, MONDO:0009668, OMIM 253290.

Submission:

Labcorp Genetics (formerly Invitae), Labcorp
Classification: Uncertain significance for Lethal multiple pterygium syndrome. Last evaluated: 2024-06-03. Review status: criteria provided, single submitter. Criteria: Invitae Variant Classification Sherloc (09022015). Collection method: clinical testing. Allele origin: germline.
Comment: This sequence change replaces asparagine, which is neutral and polar, with isoleucine, which is neutral and non-polar, at codon 189 of the CHRNA1 protein (p.Asn189Ile). This variant is not present in population databases (gnomAD no frequency). This variant has not been reported in the literature in individuals affected with CHRNA1-related conditions. Advanced modeling of protein sequence and biophysical properties (such as structural, functional, and spatial information, amino acid conservation, physicochemical variation, residue mobility, and thermodynamic stability) performed at Invitae indicates that this missense variant is not expected to disrupt CHRNA1 protein function with a negative predictive value of 80%. In summary, the available evidence is currently insufficient to determine the role of this variant in disease. Therefore, it has been classified as a Variant of Uncertain Significance.

NM_000079.4(CHRNA1):c.566A>T (p.Asn189Ile)

Gene: CHRNA1 (cholinergic receptor nicotinic alpha 1 subunit; minus strand). Cytogenetic location: 2q31.1.
Variant type: single nucleotide variant.
Coding change: c.566A>T on transcript NM_000079.4 (MANE Select); coding-DNA position 566, A replaced by T.
Protein change: p.Asn189Ile; replaces asparagine 189 with isoleucine.
Molecular consequence: missense variant.
Genome position (GRCh38, 1-based): chr2:174,753,715, T>A on the plus strand (A>T on the coding strand, the complement: CHRNA1 is on the minus strand). VCF-style: chr2-174753715-T-A. GRCh37 (hg19) VCF-style: chr2-175618443-T-A.
Other names: c.641A>T, p.Asn214Ile (NM_001039523.3); short protein forms N214I, N189I.
Identifiers: ClinVar variation 3655370 (VCV003655370.2).